The following is an entry in ClinVar:

ClinVar aggregate classification (germline): Uncertain significance. Review status: criteria provided, multiple submitters, no conflicts (2 of 4 stars). 2 submissions from 2 submitters: Uncertain significance (2). Last evaluated 2022-10-06.

Conditions:
Hereditary cancer-predisposing syndrome. Also called: Neoplastic Syndromes, Hereditary; Tumor predisposition; Hereditary Cancer Syndrome; Hereditary neoplastic syndrome. Identifiers: Orphanet 140162, MedGen C0027672, MeSH D009386, MONDO:0015356.

Submissions (2):

Ambry Genetics
Classification: Uncertain significance for Hereditary cancer-predisposing syndrome. Last evaluated: 2022-10-06. Review status: criteria provided, single submitter. Criteria: Ambry Variant Classification Scheme 2023. Collection method: clinical testing. Allele origin: germline.
Comment: The p.Q288* variant (also known as c.862C>T), located in coding exon 6 of the NTHL1 gene, results from a C to T substitution at nucleotide position 862. This changes the amino acid from a glutamine to a stop codon within coding exon 6. This alteration occurs at the 3' terminus of theNTHL1 gene, is not expected to trigger nonsense-mediated mRNAdecay, and only impacts the last 8% of the protein. The exact functional effect of this alteration is unknown. Since supporting evidence is limited at this time, the clinical significance of this alteration remains unclear.

Labcorp Genetics (formerly Invitae), Labcorp
Classification: Uncertain significance. Last evaluated: 2022-09-13. Review status: criteria provided, single submitter. Criteria: Invitae Variant Classification Sherloc (09022015). Collection method: clinical testing. Allele origin: germline.
Comment: This sequence change creates a premature translational stop signal (p.Gln288*) in the NTHL1 gene. While this is not anticipated to result in nonsense mediated decay, it is expected to disrupt the last 25 amino acid(s) of the NTHL1 protein. This variant is not present in population databases (gnomAD no frequency). This variant has not been reported in the literature in individuals affected with NTHL1-related conditions. Experimental studies and prediction algorithms are not available or were not evaluated, and the functional significance of this variant is currently unknown. This variant disrupts a region of the NTHL1 protein in which other variant(s) (p.His298Arg) have been observed in individuals with NTHL1-related conditions (Invitae). This suggests that this is a clinically significant region of the protein, and that variants that disrupt it are likely to be disease-causing. In summary, the available evidence is currently insufficient to determine the role of this variant in disease. Therefore, it has been classified as a Variant of Uncertain Significance.

NM_002528.7(NTHL1):c.838C>T (p.Gln280Ter)

Gene: NTHL1 (nth like DNA glycosylase 1; minus strand). Cytogenetic location: 16p13.3.
Variant type: single nucleotide variant.
Coding change: c.838C>T on transcript NM_002528.7 (MANE Select); coding-DNA position 838, C replaced by T.
Protein change: p.Gln280Ter; replaces glutamine 280 with a stop codon.
Molecular consequence: nonsense.
Genome position (GRCh38, 1-based): chr16:2,040,001, G>A on the plus strand (C>T on the coding strand, the complement: NTHL1 is on the minus strand). VCF-style: chr16-2040001-G-A. GRCh37 (hg19) VCF-style: chr16-2090002-G-A.
Other names: c.667C>T, p.Gln223Ter (NM_001318193.2); c.508C>T, p.Gln170Ter (NM_001318194.2); short protein forms Q170*, Q280*, Q223*.
Identifiers: ClinVar variation 1764095 (VCV001764095.4), dbSNP rs2150937886, ClinGen allele CA394287307.